The following is an entry in ClinVar:

ClinVar aggregate classification (germline): Uncertain significance (1 of 4 stars; one submission).

Conditions:
Meckel-Gruber syndrome. Also called: DYSENCEPHALIA SPLANCHNOCYSTICA; GRUBER SYNDROME; Dysencephalia splachnocystica. Identifiers: Orphanet 564, MedGen C0265215, MONDO:0018921.
Joubert syndrome. Also called: CEREBELLOPARENCHYMAL DISORDER IV; JOUBERT-BOLTSHAUSER SYNDROME; Familial aplasia of the vermis. Identifiers: Orphanet 475, MedGen C5979921, MONDO:0018772.

Submission:

Labcorp Genetics (formerly Invitae), Labcorp
Classification: Uncertain significance for Joubert syndrome; Meckel-Gruber syndrome. Last evaluated: 2022-07-16. Review status: criteria provided, single submitter. Criteria: Invitae Variant Classification Sherloc (09022015). Collection method: clinical testing. Allele origin: germline.
Comment: In summary, the available evidence is currently insufficient to determine the role of this variant in disease. Therefore, it has been classified as a Variant of Uncertain Significance. This sequence change replaces alanine, which is neutral and non-polar, with glycine, which is neutral and non-polar, at codon 205 of the TCTN1 protein (p.Ala205Gly). This variant is not present in population databases (gnomAD no frequency). This variant has not been reported in the literature in individuals affected with TCTN1-related conditions. Algorithms developed to predict the effect of missense changes on protein structure and function output the following: SIFT: "Tolerated"; PolyPhen-2: "Benign"; Align-GVGD: "Class C0". The glycine amino acid residue is found in multiple mammalian species, which suggests that this missense change does not adversely affect protein function. Algorithms developed to predict the effect of sequence changes on RNA splicing suggest that this variant may create or strengthen a splice site.

NM_001082538.3(TCTN1):c.614C>G (p.Ala205Gly)

Gene: TCTN1 (tectonic family member 1; plus strand). Cytogenetic location: 12q24.11.
Variant type: single nucleotide variant.
Coding change: c.614C>G on transcript NM_001082538.3 (MANE Select); coding-DNA position 614, C replaced by G.
Protein change: p.Ala205Gly; replaces alanine 205 with glycine.
Molecular consequence: missense variant. On other transcripts: non-coding transcript variant (1).
Genome position (GRCh38, 1-based): chr12:110,628,908, C>G. VCF-style: chr12-110628908-C-G. GRCh37 (hg19) VCF-style: chr12-111066713-C-G.
Other names: c.614C>G, p.Ala205Gly (NM_001082537.3, NM_001319680.2, NM_024549.6); c.446C>G, p.Ala149Gly (NM_001173975.3, NM_001319682.3); c.434C>G, p.Ala145Gly (NM_001173976.2); c.80C>G, p.Ala27Gly (NM_001319681.2); short protein forms A145G, A149G, A205G, A27G.
Identifiers: ClinVar variation 1716372 (VCV001716372.6), dbSNP rs1445827466, ClinGen allele CA386702654.
Genomic context (GRCh38, chr12:110,628,908, plus strand): 5'-TTACATTGAATGCTGAATCATATGTTTCCTTCACAACCAAACTGGATATTCCTACTGCTG[C>G]TAAATATGAGGTGAGCCTGAACTTGATTGATTCTTTTCATCCCATCACAAATATCTTTCC-3'
Protein context (NP_001076007.1, residues 195-215): FTTKLDIPTA[Ala205Gly]KYEYGVPLQT